The following is an entry in ClinVar:

NM_000535.7(PMS2):c.24-18_24-16del

Gene: PMS2 (PMS1 homolog 2, mismatch repair system component; minus strand). Cytogenetic location: 7p22.1.
Variant type: Deletion.
Coding change: c.24-18_24-16del on transcript NM_000535.7 (MANE Select); 18 bases into the intron before coding-DNA position 24 through 16 bases into the intron before coding-DNA position 24, 3 bases deleted (TGT; older notation c.24-18_24-16delTGT).
Molecular consequence: intron variant.
Genome position (GRCh38, 1-based): chr7:6,006,047-6,006,049, ACA deleted on the plus strand (TGT on the coding strand, the reverse complement: PMS2 is on the minus strand); deleting any 3 consecutive bases within chr7:6,006,047-6,006,050 gives the same sequence; the c. name uses the placement nearest the transcript's 3' end. VCF-style (leftmost placement, unchanged base first): chr7-6006046-TACA-T. GRCh37 (hg19) VCF-style: chr7-6045677-TACA-T.
Other names: c.24-18_24-16delTGT (NM_000535.5); c.-52-1991_-52-1989del (NM_001322008.2); c.-242-1991_-242-1989del (NM_001322010.2, NM_001322004.2); c.-377-23_-377-21del (NM_001322013.2, NM_001322003.2, NM_001322009.2); c.-856-23_-856-21del (NM_001322012.2); c.-456-23_-456-21del (NM_001322015.2); c.-192-18_-192-16del (NM_001322007.2); c.-861-18_-861-16del (NM_001322011.2); and 2 more.
Identifiers: ClinVar variation 422122 (VCV000422122.1), dbSNP rs1064795573, ClinGen allele CA16618547.

ClinVar aggregate classification (germline): Likely benign (1 of 4 stars; one submission).

Submission:

GeneDx
Classification: Likely benign. Last evaluated: 2016-08-29. Review status: criteria provided, single submitter. Criteria: GeneDx Variant Classification (06012015). Collection method: clinical testing. Allele origin: germline. Affected: yes.
Comment: This variant is considered likely benign or benign based on one or more of the following criteria: it is a conservative change, it occurs at a poorly conserved position in the protein, it is predicted to be benign by multiple in silico algorithms, and/or has population frequency not consistent with disease.